The following is an entry in ClinVar:

NM_152703.5(SAMD9L):c.1096T>C (p.Phe366Leu)

Gene: SAMD9L (sterile alpha motif domain containing 9 like; minus strand). Cytogenetic location: 7q21.2.
Variant type: single nucleotide variant.
Coding change: c.1096T>C on transcript NM_152703.5 (MANE Select); coding-DNA position 1096, T replaced by C.
Protein change: p.Phe366Leu; replaces phenylalanine 366 with leucine.
Molecular consequence: missense variant.
Genome position (GRCh38, 1-based): chr7:93,134,876, A>G on the plus strand (T>C on the coding strand, the complement: SAMD9L is on the minus strand). VCF-style: chr7-93134876-A-G. GRCh37 (hg19) VCF-style: chr7-92764189-A-G.
Other names: c.1096T>C (NM_152703.2); c.1096T>C, p.Phe366Leu (NM_001303496.3, NM_001303497.3, NM_001303498.3 and 5 more transcripts); short protein forms F366L.
Identifiers: ClinVar variation 1959197 (VCV001959197.7), dbSNP rs2535431400, ClinGen allele CA368198815.

ClinVar aggregate classification (germline): Uncertain significance. Review status: criteria provided, multiple submitters, no conflicts (2 of 4 stars). 3 submissions from 3 submitters: Uncertain significance (3). Last evaluated 2025-07-16.

Conditions:
Ataxia-pancytopenia syndrome (ATXPC). Also called: SAMD9L Ataxia-Pancytopenia Syndrome; SAMD9L-Related Syndrome. Identifiers: Orphanet 2585, MedGen C1327919, MONDO:0008038, OMIM 159550.
Monosomy 7 myelodysplasia and leukemia syndrome 1. Also called: Familial Mosaic Monosomy 7 Syndrome; Monosomy 7 of bone marrow; CHROMOSOME 7q DELETION. Identifiers: MedGen C1854978, MONDO:0009646, OMIM 252270.
Spinocerebellar ataxia 49 (SCA49). Identifiers: Orphanet 631106, MedGen C5676950, MONDO:0030805, OMIM 619806.
Inborn genetic diseases. Identifiers: MedGen C0950123, MeSH D030342.

Allele frequency attached by ClinVar (database versions not stated): gnomAD exomes below 0.00001.
gnomAD v4.1: 3 of 1,613,980 alleles (0.00019%); highest among the groups gnomAD compares: Non-Finnish European, 0.00025%; no homozygotes.

Submissions (3):

Ambry Genetics
Classification: Uncertain significance for Inborn genetic diseases. Last evaluated: 2025-07-16. Review status: criteria provided, single submitter. Criteria: Ambry Variant Classification Scheme 2023. Collection method: clinical testing. Allele origin: germline.
Comment: The p.F366L variant (also known as c.1096T>C), located in coding exon 1 of the SAMD9L gene, results from a T to C substitution at nucleotide position 1096. The phenylalanine at codon 366 is replaced by leucine, an amino acid with highly similar properties. This amino acid position is conserved. In addition, this alteration is predicted to be tolerated by in silico analysis. Based on the available evidence, the clinical significance of this variant remains unclear.

Center for Genomics, Ann and Robert H. Lurie Children's Hospital of Chicago
Classification: Uncertain significance for Ataxia-pancytopenia syndrome; Monosomy 7 myelodysplasia and leukemia syndrome 1; Spinocerebellar ataxia 49. Last evaluated: 2022-11-09. Review status: criteria provided, single submitter. Criteria: ACMG Guidelines, 2015. Collection method: clinical testing. Allele origin: germline.
Comment: This variant has not been reported in the literature and is not present in large control databases. Evolutionary conservation and computational prediction tools suggest that this variant may not impact the protein. In summary, data on this variant is insufficient for disease classification. Therefore, the clinical significance of this variant is uncertain.

Labcorp Genetics (formerly Invitae), Labcorp
Classification: Uncertain significance. Last evaluated: 2022-10-14. Review status: criteria provided, single submitter. Criteria: Invitae Variant Classification Sherloc (09022015). Collection method: clinical testing. Allele origin: germline.
Comment: This sequence change replaces phenylalanine, which is neutral and non-polar, with leucine, which is neutral and non-polar, at codon 366 of the SAMD9L protein (p.Phe366Leu). In summary, the available evidence is currently insufficient to determine the role of this variant in disease. Therefore, it has been classified as a Variant of Uncertain Significance. Advanced modeling of protein sequence and biophysical properties (such as structural, functional, and spatial information, amino acid conservation, physicochemical variation, residue mobility, and thermodynamic stability) performed at Invitae indicates that this missense variant is not expected to disrupt SAMD9L protein function. This variant has not been reported in the literature in individuals affected with SAMD9L-related conditions. This variant is not present in population databases (gnomAD no frequency).